The following is an entry in ClinVar:

NM_000447.3(PSEN2):c.395G>T (p.Gly132Val)

Gene: PSEN2 (presenilin 2; plus strand). Cytogenetic location: 1q42.13.
Variant type: single nucleotide variant.
Coding change: c.395G>T on transcript NM_000447.3 (MANE Select); coding-DNA position 395, G replaced by T.
Protein change: p.Gly132Val; replaces glycine 132 with valine.
Molecular consequence: missense variant.
Genome position (GRCh38, 1-based): chr1:226,885,576, G>T. VCF-style: chr1-226885576-G-T. GRCh37 (hg19) VCF-style: chr1-227073277-G-T.
Other names: p.Gly132Val; c.395G>T, p.Gly132Val (NM_001437537.1, NM_012486.3); short protein forms G132V.
Identifiers: ClinVar variation 4542284 (VCV004542284.1).

ClinVar aggregate classification (germline): Uncertain significance (1 of 4 stars; one submission).

gnomAD v4.1: 1 of 1,613,672 alleles (0.000062%); highest among the groups gnomAD compares: Non-Finnish European, 0.000085%; no homozygotes.

Submission:

Mayo Clinic Laboratories, Mayo Clinic
Classification: Uncertain significance. Last evaluated: 2024-12-26. Review status: criteria provided, single submitter. Criteria: ACMG Guidelines, 2015. Collection method: clinical testing. Allele origin: germline. Observed: 1 variant allele.
Comment: PP3_strong, PM2_supporting